The following is an entry in ClinVar:

ClinVar aggregate classification (germline): Likely pathogenic (1 of 4 stars; one submission).

Conditions:
Beck-Fahrner syndrome (BEFAHRS). Identifiers: Orphanet 684216, MedGen C5394097, MONDO:0032922, OMIM 618798.

Submission:

Daryl Scott Lab, Baylor College of Medicine
Classification: Likely pathogenic for Beck-Fahrner syndrome. Last evaluated: 2024-04-01. Review status: criteria provided, single submitter. Criteria: ACMG Guidelines, 2015. Collection method: research. Allele origin: maternal. Observed: 1 heterozygote.
Comment: PVS1, PM2

NM_001287491.2(TET3):c.738C>A (p.Cys246Ter)

Gene: TET3 (tet methylcytosine dioxygenase 3; plus strand). Cytogenetic location: 2p13.1.
Variant type: single nucleotide variant.
Coding change: c.738C>A on transcript NM_001287491.2 (MANE Select); coding-DNA position 738, C replaced by A.
Protein change: p.Cys246Ter; replaces cysteine 246 with a stop codon.
Molecular consequence: nonsense.
Genome position (GRCh38, 1-based): chr2:74,046,655, C>A. VCF-style: chr2-74046655-C-A. GRCh37 (hg19) VCF-style: chr2-74273782-C-A.
Other names: c.459C>A, p.Cys153Ter (NM_001366022.1); short protein forms C153*, C246*.
Identifiers: ClinVar variation 3778760 (VCV003778760.1).